The following is an entry in ClinVar:

NM_001360.3(DHCR7):c.99-1G>C

Gene: DHCR7 (7-dehydrocholesterol reductase; minus strand). Cytogenetic location: 11q13.4.
Variant type: single nucleotide variant.
Coding change: c.99-1G>C on transcript NM_001360.3 (MANE Select); the canonical splice acceptor site of the intron before coding-DNA position 99, G replaced by C.
Molecular consequence: splice acceptor variant.
Genome position (GRCh38, 1-based): chr11:71,444,216, C>G on the plus strand (G>C on the coding strand, the complement: DHCR7 is on the minus strand). VCF-style: chr11-71444216-C-G. GRCh37 (hg19) VCF-style: chr11-71155262-C-G.
Other names: c.99-1G>C (NM_001163817.2).
Identifiers: ClinVar variation 550263 (VCV000550263.6), dbSNP rs1451108193, ClinGen allele CA381696766.

ClinVar aggregate classification (germline): Likely pathogenic. Review status: criteria provided, multiple submitters, no conflicts (2 of 4 stars). 3 submissions from 3 submitters: Likely pathogenic (2). 1 of the submissions does not count toward it. Last evaluated 2025-01-21.

Conditions:
Smith-Lemli-Opitz syndrome (SLOS). Also called: RSH SYNDROME; RUTLEDGE LETHAL MULTIPLE CONGENITAL ANOMALY SYNDROME; LETHAL ACRODYSGENITAL SYNDROME; POLYDACTYLY, SEX REVERSAL, RENAL HYPOPLASIA, AND UNILOBAR LUNG; 7-Dehydrocholesterol reductase deficiency. Identifiers: Orphanet 818, MedGen C0175694, MONDO:0010035, OMIM 270400.

Submissions (3):

Natera, Inc.
Classification: Likely pathogenic for Smith-Lemli-Opitz syndrome. Last evaluated: 2025-01-21. Review status: criteria provided, single submitter. Criteria: Natera Variant Classification Schema (03/2026). Collection method: clinical testing. Allele origin: germline.
Comment: The c.99-1G>C variant in DHCR7 is a canonical splice acceptor site variant predicted to affect pre-mRNA splicing, which may result in an abnormal transcript and altered protein product. This variant is expected to result in nonsense mediated decay, truncation, or a dysfunctional protein product. This variant is rare in the general population with a frequency below the threshold expected for the associated phenotype(s). Given the available evidence, this variant is classified as Likely Pathogenic.

Juno Genomics, Hangzhou Juno Genomics, Inc
Classification: Likely pathogenic for Smith-Lemli-Opitz syndrome. Review status: criteria provided, single submitter. Criteria: ACMG Guidelines, 2015. Collection method: clinical testing. Allele origin: germline.
Comment: Absent from controls (or at extremely low frequency if recessive) in Genome Aggregation Database.;Null variant in a gene where loss of function (LOF) is a known mechanism of disease.

Counsyl
Classification: Likely pathogenic for Smith-Lemli-Opitz syndrome. Last evaluated: 2016-12-27. Review status: no assertion criteria provided. Collection method: clinical testing. Allele origin: unknown. Not counted in ClinVar's aggregate classification.